The following is an entry in ClinVar:

NM_000302.4(PLOD1):c.209C>T (p.Thr70Met)

Gene: PLOD1 (procollagen-lysine,2-oxoglutarate 5-dioxygenase 1; plus strand). Cytogenetic location: 1p36.22.
Variant type: single nucleotide variant.
Coding change: c.209C>T on transcript NM_000302.4 (MANE Select); coding-DNA position 209, C replaced by T.
Protein change: p.Thr70Met; replaces threonine 70 with methionine.
Molecular consequence: missense variant.
Genome position (GRCh38, 1-based): chr1:11,949,813, C>T. VCF-style: chr1-11949813-C-T. GRCh37 (hg19) VCF-style: chr1-12009870-C-T.
Other names: c.350C>T, p.Thr117Met (NM_001316320.2); short protein forms T117M, T70M.
Identifiers: ClinVar variation 950019 (VCV000950019.14), dbSNP rs780253192, ClinGen allele CA597835.

ClinVar aggregate classification (germline): Uncertain significance. Review status: criteria provided, multiple submitters, no conflicts (2 of 4 stars). 4 submissions from 4 submitters: Uncertain significance (4). Last evaluated 2025-07-16.

Conditions:
Familial thoracic aortic aneurysm and aortic dissection (TAAD). Also called: Thoracic aortic aneurysms and dissections. Identifiers: Orphanet 91387, MedGen C4707243, MONDO:0019625.
Ehlers-Danlos syndrome, kyphoscoliotic type 1 (EDSKSCL1). Also called: PLOD1-Related Kyphoscoliotic Ehlers-Danlos Syndrome; Ehlers-Danlos syndrome, hydroxylysine-deficient; EHLERS-DANLOS SYNDROME, TYPE VIA; EHLERS-DANLOS SYNDROME, OCULAR-SCOLIOTIC TYPE. Identifiers: Orphanet 1900, MedGen C0268342, MONDO:0016002, OMIM 225400. Disease mechanism: loss of function.

Allele frequency attached by ClinVar (database versions not stated): ExAC 0.00001; gnomAD 0.00001; gnomAD exomes 0.00001.
gnomAD v4.1: 13 of 1,613,740 alleles (0.00081%); highest among the groups gnomAD compares: African/African-American, 0.0013%; no homozygotes.

Submissions (4):

Women's Health and Genetics/Laboratory Corporation of America, LabCorp
Classification: Uncertain significance. Last evaluated: 2025-07-16. Review status: criteria provided, single submitter. Criteria: LabCorp Variant Classification Summary - May 2015. Collection method: clinical testing. Allele origin: germline.
Comment: Variant summary: PLOD1 c.209C>T (p.Thr70Met) results in a non-conservative amino acid change in the encoded protein sequence. Algorithms developed to predict the effect of missense changes on protein structure and function are either unavailable or do not agree on the potential impact of this missense change. The variant allele was found at a frequency of 8e-06 in 251432 control chromosomes. The available data on variant occurrences in the general population are insufficient to allow any conclusion about variant significance. To our knowledge, no occurrence of c.209C>T in individuals affected with Ehlers-Danlos syndrome, kyphoscoliotic type 1 and no experimental evidence demonstrating its impact on protein function have been reported. ClinVar contains an entry for this variant (Variation ID: 950019). Based on the evidence outlined above, the variant was classified as uncertain significance.

Ambry Genetics
Classification: Uncertain significance for Familial thoracic aortic aneurysm and aortic dissection. Last evaluated: 2025-04-23. Review status: criteria provided, single submitter. Criteria: Ambry Variant Classification Scheme 2023. Collection method: clinical testing. Allele origin: germline.
Comment: The p.T70M variant (also known as c.209C>T), located in coding exon 3 of the PLOD1 gene, results from a C to T substitution at nucleotide position 209. The threonine at codon 70 is replaced by methionine, an amino acid with similar properties. This amino acid position is poorly conserved in available vertebrate species. In addition, this alteration is predicted to be tolerated by in silico analysis. Since supporting evidence is limited at this time, the clinical significance of this alteration remains unclear.

GeneDx
Classification: Uncertain significance. Last evaluated: 2024-09-23. Review status: criteria provided, single submitter. Criteria: GeneDx Variant Classification Process June 2021. Collection method: clinical testing. Allele origin: germline. Affected: yes.
Comment: Not observed at significant frequency in large population cohorts (gnomAD); In silico analysis indicates that this missense variant does not alter protein structure/function; Has not been previously published as pathogenic or benign to our knowledge

Labcorp Genetics (formerly Invitae), Labcorp
Classification: Uncertain significance for Ehlers-Danlos syndrome, kyphoscoliotic type 1. Last evaluated: 2021-09-01. Review status: criteria provided, single submitter. Criteria: Invitae Variant Classification Sherloc (09022015). Collection method: clinical testing. Allele origin: germline.
Comment: This sequence change replaces threonine with methionine at codon 70 of the PLOD1 protein (p.Thr70Met). The threonine residue is weakly conserved and there is a moderate physicochemical difference between threonine and methionine. This variant is present in population databases (rs780253192, ExAC 0.002%). This variant has not been reported in the literature in individuals affected with PLOD1-related conditions. Algorithms developed to predict the effect of missense changes on protein structure and function output the following: SIFT: "Tolerated"; PolyPhen-2: "Benign"; Align-GVGD: "Class C0". The methionine amino acid residue is found in multiple mammalian species, which suggests that this missense change does not adversely affect protein function. In summary, the available evidence is currently insufficient to determine the role of this variant in disease. Therefore, it has been classified as a Variant of Uncertain Significance.